The following is an entry in ClinVar:

ClinVar aggregate classification (germline): Uncertain significance (1 of 4 stars; one submission).

Conditions:
VPS13B-related disorder. Also called: VPS13B-related condition.

gnomAD v4.1: 1 of 1,613,850 alleles (0.000062%); highest among the groups gnomAD compares: Non-Finnish European, 0.000085%; no homozygotes.

Submission:

PreventionGenetics, part of Exact Sciences
Classification: Uncertain significance for VPS13B-related condition. Last evaluated: 2025-04-28. Review status: criteria provided, single submitter. Criteria: ACMG Guidelines, 2015. Collection method: clinical testing. Allele origin: germline.
Comment: The VPS13B c.6786G>A variant is not predicted to result in an amino acid change (p.=). This variant is predicted to strengthen a cryptic splice acceptor site (SpliceAI, Jaganathan et al. 2019. PubMed ID: 30661751). To our knowledge, this variant has not been reported in the literature or in a large population database (gnomAD), indicating this variant is rare. At this time, the clinical significance of this variant is uncertain due to the absence of conclusive functional and genetic evidence.

NM_152564.5(VPS13B):c.6786G>A (p.Val2262=)

Gene: VPS13B (vacuolar protein sorting 13 homolog B; plus strand). Cytogenetic location: 8q22.2.
Variant type: single nucleotide variant.
Coding change: c.6786G>A on transcript NM_152564.5 (MANE Select); coding-DNA position 6786, G replaced by A.
Protein change: p.Val2262=; no amino-acid change (valine 2262 retained).
Molecular consequence: synonymous variant.
Genome position (GRCh38, 1-based): chr8:99,720,473, G>A. VCF-style: chr8-99720473-G-A. GRCh37 (hg19) VCF-style: chr8-100732701-G-A.
Other names: c.6861G>A, p.Val2287= (NM_017890.5).
Identifiers: ClinVar variation 4978569 (VCV004978569.1).